The following is an entry in ClinVar:

NM_004606.5(TAF1):c.5279C>T (p.Pro1760Leu)

Gene: TAF1 (TATA-box binding protein associated factor 1; plus strand). Cytogenetic location: Xq13.1.
Variant type: single nucleotide variant.
Coding change: c.5279C>T on transcript NM_004606.5 (MANE Select); coding-DNA position 5279, C replaced by T.
Protein change: p.Pro1760Leu; replaces proline 1760 with leucine.
Molecular consequence: missense variant. On other transcripts: non-coding transcript variant (9).
Genome position (GRCh38, 1-based): chrX:71,460,683, C>T. VCF-style: chrX-71460683-C-T. GRCh37 (hg19) VCF-style: chrX-70680533-C-T.
Other names: c.5285C>T, p.Pro1762Leu (NM_001286074.2); c.5381C>T, p.Pro1794Leu (NM_001440852.1); c.5279C>T, p.Pro1760Leu (NM_001440853.1); c.5216C>T, p.Pro1739Leu (NM_001440854.1, NM_138923.4); short protein forms P1760L, P1762L, P1739L, P1794L.
Identifiers: ClinVar variation 5003043 (VCV005003043.1).
Genomic context (GRCh38, chrX:71,460,683, plus strand): 5'-CAGCTATCCAGCTGAGTGAAAGTGGAAGTGACTCTGATGTGGGATCTGGTGGAATAAGAC[C>T]CAAACAACCCCGCATGCTTCAGGAGAACACAAGGATGGACATGGAAAATGAAGAAAGCAT-3'
Protein context (NP_004597.3, residues 1750-1770): DSDVGSGGIR[Pro1760Leu]KQPRMLQENT

ClinVar aggregate classification (germline): Uncertain significance (1 of 4 stars; one submission).

Conditions:
Intellectual developmental disorder, X-linked, syndromic 33. Also called: Intellectual disability, X-linked, syndromic 33; X-linked intellectual disability-global development delay-facial dysmorphism-sacral caudal remnant syndrome. Identifiers: Orphanet 480907, MedGen C4225418, MONDO:0010500, OMIM 300966.

Submission:

OLLIN Analises Genomicas, OLLIN
Classification: Uncertain significance for Intellectual developmental disorder, X-linked, syndromic 33. Last evaluated: 2026-08-06. Review status: criteria provided, single submitter. Criteria: ACMG Guidelines 2015 PMID 25741868. Collection method: clinical testing. Allele origin: germline.
Comment: This missense variant, located in exon 37 (of 38), is absent from gnomAD and ClinVar and has not been identified in the literature. In silico analysis predicts that this variant has a tolerated effect. This gene is constrained for missense variation. According to the currently available evidence, this variant has been classified as uncertain significance (PM2_P, PP2, BP4_M).